The following is an entry in ClinVar:

NM_006662.3(SRCAP):c.8156C>T (p.Pro2719Leu)

Gene: SRCAP (Snf2 related CREBBP activator protein; plus strand). Cytogenetic location: 16p11.2.
Variant type: single nucleotide variant.
Coding change: c.8156C>T on transcript NM_006662.3 (MANE Select); coding-DNA position 8156, C replaced by T.
Protein change: p.Pro2719Leu; replaces proline 2719 with leucine.
Molecular consequence: missense variant.
Genome position (GRCh38, 1-based): chr16:30,738,196, C>T. VCF-style: chr16-30738196-C-T. GRCh37 (hg19) VCF-style: chr16-30749517-C-T.
Other names: short protein forms P2719L.
Identifiers: ClinVar variation 1952760 (VCV001952760.6), dbSNP rs905899806, ClinGen allele CA280524464.
Genomic context (GRCh38, chr16:30,738,196, plus strand): 5'-CAGCTCCATCCACCTCATCTTCAGCCACTTCCTCGCCTGAGGGTCCTTCACCTGCCCGAC[C>T]TCCTCGGCGTCGCACCAGTGCTGATGTGGAAATTAGGGGTCAAGGGACTGGTCGGCCAGG-3'
Protein context (NP_006653.2, residues 2709-2729): SSPEGPSPAR[Pro2719Leu]PRRRTSADVE

ClinVar aggregate classification (germline): Uncertain significance. Review status: criteria provided, multiple submitters, no conflicts (2 of 4 stars). 2 submissions from 2 submitters: Uncertain significance (2). Last evaluated 2024-06-19.

Conditions:
Developmental delay, hypotonia, musculoskeletal defects, and behavioral abnormalities. Identifiers: MedGen C5562012, MONDO:0859202, OMIM 619595.
Floating-Harbor syndrome (FLHS). Also called: SRCAP-Related Floating-Harbor Syndrome; Short stature with delayed bone age, expressive language delay, a triangular face with a prominent nose and deep-set eyes; Pelletier-Leisti syndrome. Identifiers: Orphanet 2044, MedGen C0729582, MONDO:0007621, OMIM 136140.

Allele frequency attached by ClinVar (database versions not stated): TOPMed below 0.00001.
gnomAD v4.1: 2 of 1,614,196 alleles (0.00012%); highest among the groups gnomAD compares: East Asian, 0.0022%; no homozygotes.

Submissions (2):

Fulgent Genetics
Classification: Uncertain significance for Floating-Harbor syndrome; Developmental delay, hypotonia, musculoskeletal defects, and behavioral abnormalities. Last evaluated: 2024-06-19. Review status: criteria provided, single submitter. Criteria: ACMG Guidelines, 2015. Collection method: clinical testing. Allele origin: germline.

Labcorp Genetics (formerly Invitae), Labcorp
Classification: Uncertain significance. Last evaluated: 2022-09-06. Review status: criteria provided, single submitter. Criteria: Invitae Variant Classification Sherloc (09022015). Collection method: clinical testing. Allele origin: germline.
Comment: This sequence change replaces proline, which is neutral and non-polar, with leucine, which is neutral and non-polar, at codon 2719 of the SRCAP protein (p.Pro2719Leu). This variant is not present in population databases (gnomAD no frequency). This variant has not been reported in the literature in individuals affected with SRCAP-related conditions. Algorithms developed to predict the effect of missense changes on protein structure and function are either unavailable or do not agree on the potential impact of this missense change (SIFT: "Deleterious"; PolyPhen-2: "Not Available"; Align-GVGD: "Class C0"). In summary, the available evidence is currently insufficient to determine the role of this variant in disease. Therefore, it has been classified as a Variant of Uncertain Significance.